The following is an entry in ClinVar:

ClinVar aggregate classification (germline): Uncertain significance. Review status: criteria provided, multiple submitters, no conflicts (2 of 4 stars). 3 submissions from 3 submitters: Uncertain significance (3). Last evaluated 2026-04-20.

Conditions:
Thrombomodulin-related bleeding disorder (THPH12). Also called: Thrombophilia due to thrombomodulin defect. Identifiers: Orphanet 436169, MedGen C3280976, MONDO:0013775, OMIM 614486.
Atypical hemolytic-uremic syndrome with thrombomodulin anomaly. Also called: HEMOLYTIC UREMIC SYNDROME, ATYPICAL, SUSCEPTIBILITY TO, 6; AHUS, SUSCEPTIBILITY TO, 6. Identifiers: MedGen C2752036, MONDO:0013044, OMIM 612926. Disease mechanism: gain of function.

Allele frequency attached by ClinVar (database versions not stated): gnomAD exomes 0.00001 and 0.00002; TOPMed 0.00002; gnomAD 0.00003 and 0.00004.

Submissions (3):

Women's Health and Genetics/Laboratory Corporation of America, LabCorp
Classification: Uncertain significance. Last evaluated: 2026-04-20. Review status: criteria provided, single submitter. Criteria: LabCorp Variant Classification Summary - May 2015. Collection method: clinical testing. Allele origin: germline.

Labcorp Genetics (formerly Invitae), Labcorp
Classification: Uncertain significance. Last evaluated: 2025-05-01. Review status: criteria provided, single submitter. Criteria: Invitae Variant Classification Sherloc (09022015). Collection method: clinical testing. Allele origin: germline.
Comment: This sequence change replaces glycine, which is neutral and non-polar, with serine, which is neutral and polar, at codon 97 of the THBD protein (p.Gly97Ser). This variant is present in population databases (no rsID available, gnomAD 0.007%). This variant has not been reported in the literature in individuals affected with THBD-related conditions. ClinVar contains an entry for this variant (Variation ID: 1488585). Invitae Evidence Modeling of protein sequence and biophysical properties (such as structural, functional, and spatial information, amino acid conservation, physicochemical variation, residue mobility, and thermodynamic stability) indicates that this missense variant is not expected to disrupt THBD protein function with a negative predictive value of 80%. In summary, the available evidence is currently insufficient to determine the role of this variant in disease. Therefore, it has been classified as a Variant of Uncertain Significance.

Fulgent Genetics
Classification: Uncertain significance for Atypical hemolytic-uremic syndrome with thrombomodulin anomaly; Thrombomodulin-related bleeding disorder. Last evaluated: 2024-06-17. Review status: criteria provided, single submitter. Criteria: ACMG Guidelines, 2015. Collection method: clinical testing. Allele origin: germline.

NM_000361.3(THBD):c.289G>A (p.Gly97Ser)

Gene: THBD (thrombomodulin; minus strand). Cytogenetic location: 20p11.21.
Variant type: single nucleotide variant.
Coding change: c.289G>A on transcript NM_000361.3 (MANE Select); coding-DNA position 289, G replaced by A.
Protein change: p.Gly97Ser; replaces glycine 97 with serine.
Molecular consequence: missense variant.
Genome position (GRCh38, 1-based): chr20:23,049,216, C>T on the plus strand (G>A on the coding strand, the complement: THBD is on the minus strand). VCF-style: chr20-23049216-C-T. GRCh37 (hg19) VCF-style: chr20-23029853-C-T.
Other names: short protein forms G97S.
Identifiers: ClinVar variation 1488585 (VCV001488585.11), dbSNP rs1239586434, ClinGen allele CA408408001.